The following is an entry in ClinVar:

NM_005654.6(NR2F1):c.291_294dup (p.Gly99fs)

Genes: NR2F1 (nuclear receptor subfamily 2 group F member 1; plus strand), NR2F1-AS1 (NR2F1 regulatory antisense RNA 1; minus strand). Cytogenetic location: 5q15.
Variant type: Duplication.
Coding change: c.291_294dup on transcript NM_005654.6 (MANE Select); coding-DNA positions 291 to 294, 4 bases duplicated (CTAC; older notation c.291_294dupCTAC).
Protein change: p.Gly99fs; shifts the reading frame from glycine 99.
Molecular consequence: frameshift variant.
Genome position (GRCh38, 1-based): chr5:93,585,314-93,585,317, CTAC duplicated. VCF-style (leftmost placement, unchanged base first): chr5-93585313-A-ACTAC. GRCh37 (hg19) VCF-style: chr5-92921019-A-ACTAC.
Other names: short protein forms G99fs.
Identifiers: ClinVar variation 1999860 (VCV001999860.4), dbSNP rs2480802143, ClinGen allele CA2580073788.

ClinVar aggregate classification (germline): Pathogenic (1 of 4 stars; one submission).

Submission:

Labcorp Genetics (formerly Invitae), Labcorp
Classification: Pathogenic. Last evaluated: 2022-05-28. Review status: criteria provided, single submitter. Criteria: Invitae Variant Classification Sherloc (09022015). Collection method: clinical testing. Allele origin: germline.
Comment: This variant is not present in population databases (gnomAD no frequency). For these reasons, this variant has been classified as Pathogenic. This variant disrupts a region of the NR2F1 protein in which other variant(s) (p.Glu318Gly) have been determined to be pathogenic (Invitae). This suggests that this is a clinically significant region of the protein, and that variants that disrupt it are likely to be disease-causing. This variant has not been reported in the literature in individuals affected with NR2F1-related conditions. This sequence change creates a premature translational stop signal (p.Gly99Leufs*299) in the NR2F1 gene. While this is not anticipated to result in nonsense mediated decay, it is expected to disrupt the last 325 amino acid(s) of the NR2F1 protein.